The following is an entry in ClinVar:

NM_001244008.2(KIF1A):c.430-256T>C

Gene: KIF1A (kinesin family member 1A; minus strand). Cytogenetic location: 2q37.3.
Variant type: single nucleotide variant.
Coding change: c.430-256T>C on transcript NM_001244008.2 (MANE Select); 256 bases into the intron before coding-DNA position 430, T replaced by C.
Molecular consequence: intron variant.
Genome position (GRCh38, 1-based): chr2:240,786,769, A>G on the plus strand (T>C on the coding strand, the complement: KIF1A is on the minus strand). VCF-style: chr2-240786769-A-G. GRCh37 (hg19) VCF-style: chr2-241726186-A-G.
Other names: c.430-256T>C (NM_001379653.1, NM_001379650.1, NM_001379645.1 and 20 more transcripts).
Identifiers: ClinVar variation 668747 (VCV000668747.1), dbSNP rs1864876, ClinGen allele CA68141492.

ClinVar aggregate classification (germline): Benign (1 of 4 stars; one submission).

Allele frequency attached by ClinVar (database versions not stated): gnomAD 0.23324 and 0.23745.

Submission:

GeneDx
Classification: Benign. Last evaluated: 2018-06-19. Review status: criteria provided, single submitter. Criteria: GeneDx Variant Classification (06012015). Collection method: clinical testing. Allele origin: germline. Affected: yes.
Comment: This variant is considered likely benign or benign based on one or more of the following criteria: it is a conservative change, it occurs at a poorly conserved position in the protein, it is predicted to be benign by multiple in silico algorithms, and/or has population frequency not consistent with disease.